The following is an entry in ClinVar:

ClinVar aggregate classification (germline): Uncertain significance (1 of 4 stars; one submission).

gnomAD v4.1: 1 of 1,558,588 alleles (0.000064%); highest among the groups gnomAD compares: Non-Finnish European, 0.000087%; no homozygotes.

Submission:

GeneDx
Classification: Uncertain significance. Last evaluated: 2025-04-30. Review status: criteria provided, single submitter. Criteria: GeneDx Variant Classification Process June 2021. Collection method: clinical testing. Allele origin: germline. Affected: yes.
Comment: Not observed at significant frequency in large population cohorts (gnomAD); In silico analysis supports that this missense variant has a deleterious effect on protein structure/function; Has not been previously published as pathogenic or benign to our knowledge

NM_170606.3(KMT2C):c.5272C>T (p.Arg1758Cys)

Gene: KMT2C (lysine methyltransferase 2C; minus strand). Cytogenetic location: 7q36.1.
Variant type: single nucleotide variant.
Coding change: c.5272C>T on transcript NM_170606.3 (MANE Select); coding-DNA position 5272, C replaced by T.
Protein change: p.Arg1758Cys; replaces arginine 1758 with cysteine.
Molecular consequence: missense variant.
Genome position (GRCh38, 1-based): chr7:152,182,588, G>A on the plus strand (C>T on the coding strand, the complement: KMT2C is on the minus strand). VCF-style: chr7-152182588-G-A. GRCh37 (hg19) VCF-style: chr7-151879673-G-A.
Other names: short protein forms R1758C.
Identifiers: ClinVar variation 4527971 (VCV004527971.1).
Genomic context (GRCh38, chr7:152,182,588, plus strand): 5'-TTTTCACCTGTTCAAGTTTCTGTGTGGCTTCAATTTTAGCTTGCTGCTTACTTTTCTGAC[G>A]CATTTGCTATTAAAATAGAAAAGAAAAAGCAATCATATTTAGGTTAAGGAAGAAAACTAC-3'
Protein context (NP_733751.2, residues 1748-1768): EQEWKFRQQM[Arg1758Cys]QKSKQQAKIE